The following is an entry in ClinVar:

ClinVar aggregate classification (germline): Conflicting classifications of pathogenicity. Review status: criteria provided, conflicting classifications (1 of 4 stars). 3 submissions from 3 submitters: Uncertain significance (2); Likely benign (1). Last evaluated 2026-07-30.

Conditions:
CDH1-related disorder. Also called: CDH1-related condition.
Hereditary cancer-predisposing syndrome. Also called: Neoplastic Syndromes, Hereditary; Hereditary neoplastic syndrome; Hereditary Cancer Syndrome; Tumor predisposition. Identifiers: Orphanet 140162, MedGen C0027672, MeSH D009386, MONDO:0015356.
Hereditary diffuse gastric adenocarcinoma (HDGC). Also called: DIFFUSE GASTRIC AND LOBULAR BREAST CANCER SYNDROME. Identifiers: Orphanet 26106, MedGen C1708349, MONDO:0007648, OMIM 137215.

Allele frequency attached by ClinVar (database versions not stated): gnomAD exomes below 0.00001 and 0.00001.
gnomAD v4.1: 3 of 1,613,936 alleles (0.00019%); highest among the groups gnomAD compares: Admixed American, 0.0033%; no homozygotes.

Submissions (3):

Ambry Genetics
Classification: Likely benign for Hereditary cancer-predisposing syndrome. Last evaluated: 2026-07-30. Review status: criteria provided, single submitter. Criteria: Ambry Variant Classification Scheme 2023. Collection method: clinical testing. Allele origin: germline.

PreventionGenetics, part of Exact Sciences
Classification: Uncertain significance for CDH1-related condition. Last evaluated: 2026-06-16. Review status: criteria provided, single submitter. Criteria: ACMG Guidelines, 2015. Collection method: clinical testing. Allele origin: germline.
Comment: The CDH1 c.2381T>C variant is predicted to result in the amino acid substitution p.Val794Ala. To our knowledge, this variant has not been reported in the literature. This variant is reported in 0.0029% of alleles in individuals of Latino descent in gnomAD and is classified as uncertain in ClinVar (Variation ID: 463759). At this time, the clinical significance of this variant is uncertain due to the absence of conclusive functional and genetic evidence.

Labcorp Genetics (formerly Invitae), Labcorp
Classification: Uncertain significance for Hereditary diffuse gastric adenocarcinoma. Last evaluated: 2025-06-22. Review status: criteria provided, single submitter. Criteria: Invitae Variant Classification Sherloc (09022015). Collection method: clinical testing. Allele origin: germline.
Comment: This sequence change replaces valine, which is neutral and non-polar, with alanine, which is neutral and non-polar, at codon 794 of the CDH1 protein (p.Val794Ala). This variant is present in population databases (no rsID available, gnomAD 0.003%). This variant has not been reported in the literature in individuals affected with CDH1-related conditions. ClinVar contains an entry for this variant (Variation ID: 463759). An algorithm developed to predict the effect of missense changes on protein structure and function (PolyPhen-2) suggests that this variant is likely to be tolerated. In summary, the available evidence is currently insufficient to determine the role of this variant in disease. Therefore, it has been classified as a Variant of Uncertain Significance.

NM_004360.5(CDH1):c.2381T>C (p.Val794Ala)

Gene: CDH1 (cadherin 1; plus strand). Cytogenetic location: 16q22.1.
Variant type: single nucleotide variant.
Coding change: c.2381T>C on transcript NM_004360.5 (MANE Select); coding-DNA position 2381, T replaced by C.
Protein change: p.Val794Ala; replaces valine 794 with alanine.
Molecular consequence: missense variant.
Genome position (GRCh38, 1-based): chr16:68,829,739, T>C. VCF-style: chr16-68829739-T-C. GRCh37 (hg19) VCF-style: chr16-68863642-T-C.
Other names: c.2381T>C (LRG_301t1, NM_004360.4); c.2198T>C, p.Val733Ala (NM_001317184.2); c.833T>C, p.Val278Ala (NM_001317185.2); c.416T>C, p.Val139Ala (NM_001317186.2); short protein forms V794A, V733A, V139A, V278A.
Identifiers: ClinVar variation 463759 (VCV000463759.17), dbSNP rs1447544874, ClinGen allele CA396471138.